The following is an entry in ClinVar:

NM_001004334.4(GPR179):c.2559G>A (p.Met853Ile)

Gene: GPR179 (G protein-coupled receptor 179; minus strand). Cytogenetic location: 17q12.
Variant type: single nucleotide variant.
Coding change: c.2559G>A on transcript NM_001004334.4 (MANE Select); coding-DNA position 2559, G replaced by A.
Protein change: p.Met853Ile; replaces methionine 853 with isoleucine.
Molecular consequence: missense variant.
Genome position (GRCh38, 1-based): chr17:38,331,010, C>T on the plus strand (G>A on the coding strand, the complement: GPR179 is on the minus strand). VCF-style: chr17-38331010-C-T. GRCh37 (hg19) VCF-style: chr17-36486893-C-T.
Other names: short protein forms M853I.
Identifiers: ClinVar variation 1470769 (VCV001470769.6), dbSNP rs1301474496, ClinGen allele CA398882957.

ClinVar aggregate classification (germline): Uncertain significance (1 of 4 stars; one submission).

Submission:

Labcorp Genetics (formerly Invitae), Labcorp
Classification: Uncertain significance. Last evaluated: 2021-10-05. Review status: criteria provided, single submitter. Criteria: Invitae Variant Classification Sherloc (09022015). Collection method: clinical testing. Allele origin: germline.
Comment: In summary, the available evidence is currently insufficient to determine the role of this variant in disease. Therefore, it has been classified as a Variant of Uncertain Significance. Algorithms developed to predict the effect of missense changes on protein structure and function (SIFT, PolyPhen-2, Align-GVGD) all suggest that this variant is likely to be tolerated. This variant has not been reported in the literature in individuals affected with GPR179-related conditions. This variant is not present in population databases (ExAC no frequency). This sequence change replaces methionine with isoleucine at codon 853 of the GPR179 protein (p.Met853Ile). The methionine residue is weakly conserved and there is a small physicochemical difference between methionine and isoleucine.